The following is an entry in ClinVar:

ClinVar aggregate classification (germline): Likely pathogenic (1 of 4 stars; one submission).

Conditions:
Familial dysautonomia. Also called: HSAN III; FD. Identifiers: Orphanet 1764, MedGen C0013364, MONDO:0009131, OMIM 223900. Disease mechanism: loss of function.

Submission:

Natera, Inc.
Classification: Likely pathogenic for Familial dysautonomia. Last evaluated: 2024-10-04. Review status: criteria provided, single submitter. Criteria: Natera Variant Classification Schema (03/2026). Collection method: clinical testing. Allele origin: germline.
Comment: The c.862A>T variant in ELP1 is a nonsense variant predicted to introduce a stop codon at amino acid 288. This variant is expected to result in nonsense mediated decay, truncation, or a dysfunctional protein product. This variant is rare in the general population with a frequency below the threshold expected for the associated phenotype(s). Given the available evidence, this variant is classified as Likely Pathogenic.

NM_003640.5(ELP1):c.862A>T (p.Lys288Ter)

Gene: ELP1 (elongator acetyltransferase complex subunit 1; minus strand). Cytogenetic location: 9q31.3.
Variant type: single nucleotide variant.
Coding change: c.862A>T on transcript NM_003640.5 (MANE Select); coding-DNA position 862, A replaced by T.
Protein change: p.Lys288Ter; replaces lysine 288 with a stop codon.
Molecular consequence: nonsense. On other transcripts: 5 prime UTR variant (1).
Genome position (GRCh38, 1-based): chr9:108,917,549, T>A on the plus strand (A>T on the coding strand, the complement: ELP1 is on the minus strand). VCF-style: chr9-108917549-T-A. GRCh37 (hg19) VCF-style: chr9-111679829-T-A.
Other names: c.520A>T, p.Lys174Ter (NM_001318360.2); c.-186A>T (NM_001330749.2); short protein forms K174*, K288*.
Identifiers: ClinVar variation 4815251 (VCV004815251.1).
Genomic context (GRCh38, chr9:108,917,549, plus strand): 5'-CCTCTATAGCTATGGAAAGTCCTCTACATTCGAGGGTGAAACAAACTCAGGCACTTACCT[T>A]AACCTCATCTTTAAGGAAGGGAAGTGTAAAGTGTCCATGAAGGAGTCCATTTTTCTCAAA-3'